The following is an entry in ClinVar:

ClinVar aggregate classification (germline): Uncertain significance (1 of 4 stars; one submission).

Conditions:
Hereditary cancer-predisposing syndrome. Also called: Neoplastic Syndromes, Hereditary; Tumor predisposition; Hereditary neoplastic syndrome; Hereditary Cancer Syndrome. Identifiers: Orphanet 140162, MedGen C0027672, MeSH D009386, MONDO:0015356.

Submission:

Ambry Genetics
Classification: Uncertain significance for Hereditary cancer-predisposing syndrome. Last evaluated: 2024-03-13. Review status: criteria provided, single submitter. Criteria: Ambry Variant Classification Scheme 2023. Collection method: clinical testing. Allele origin: germline.
Comment: The p.N184D variant (also known as c.550A>G), located in coding exon 3 of the FLCN gene, results from an A to G substitution at nucleotide position 550. The asparagine at codon 184 is replaced by aspartic acid, an amino acid with highly similar properties. This amino acid position is conserved. In addition, the in silico prediction for this alteration is inconclusive. Based on the available evidence, the clinical significance of this alteration remains unclear.

NM_144997.7(FLCN):c.550A>G (p.Asn184Asp)

Gene: FLCN (folliculin; minus strand). Cytogenetic location: 17p11.2.
Variant type: single nucleotide variant.
Coding change: c.550A>G on transcript NM_144997.7 (MANE Select); coding-DNA position 550, A replaced by G.
Protein change: p.Asn184Asp; replaces asparagine 184 with aspartic acid.
Molecular consequence: missense variant.
Genome position (GRCh38, 1-based): chr17:17,223,990, T>C on the plus strand (A>G on the coding strand, the complement: FLCN is on the minus strand). VCF-style: chr17-17223990-T-C. GRCh37 (hg19) VCF-style: chr17-17127304-T-C.
Other names: c.604A>G, p.Asn202Asp (NM_001353229.2); c.550A>G, p.Asn184Asp (NM_001353230.2, NM_001353231.2, NM_144606.7); short protein forms N184D, N202D.
Identifiers: ClinVar variation 3229253 (VCV003229253.1), dbSNP rs2144974551, ClinGen allele CA398534307.